The following is an entry in ClinVar:

NM_002474.3(MYH11):c.1068T>G (p.Leu356=)

Gene: MYH11 (myosin heavy chain 11; minus strand). Cytogenetic location: 16p13.11.
Variant type: single nucleotide variant.
Coding change: c.1068T>G on transcript NM_002474.3 (MANE Select); coding-DNA position 1068, T replaced by G.
Protein change: p.Leu356=; no amino-acid change (leucine 356 retained).
Molecular consequence: synonymous variant.
Genome position (GRCh38, 1-based): chr16:15,763,857, A>C on the plus strand (T>G on the coding strand, the complement: MYH11 is on the minus strand). VCF-style: chr16-15763857-A-C. GRCh37 (hg19) VCF-style: chr16-15857714-A-C.
Other names: c.1089T>G, p.Leu363= (NM_001040113.2, NM_001040114.2); c.1068T>G, p.Leu356= (NM_022844.3).
Identifiers: ClinVar variation 3069538 (VCV003069538.1), dbSNP rs2506445315, ClinGen allele CA493768329.

ClinVar aggregate classification (germline): Likely benign (1 of 4 stars; one submission).

Conditions:
Familial thoracic aortic aneurysm and aortic dissection (TAAD). Also called: Thoracic aortic aneurysms and dissections. Identifiers: Orphanet 91387, MedGen C4707243, MONDO:0019625.

Submission:

All of Us Research Program, National Institutes of Health
Classification: Likely benign for Familial thoracic aortic aneurysm and aortic dissection. Last evaluated: 2023-02-24. Review status: criteria provided, single submitter. Criteria: ACMG Guidelines, 2015. Collection method: clinical testing. Allele origin: germline. Inheritance: Autosomal dominant inheritance. Observed: 1 variant allele, 1 heterozygote.
Comment: This study involves interpretation of variants in research participants for the purpose of population health screening. Participant phenotype was not available at the time of variant classification. Additional details can be found in publication PMID: 35346344, PMCID: PMC8962531